The following is an entry in ClinVar:

ClinVar aggregate classification (germline): Uncertain significance. Review status: criteria provided, multiple submitters, no conflicts (2 of 4 stars). 2 submissions from 2 submitters: Uncertain significance (2). Last evaluated 2022-05-24.

Conditions:
Duchenne muscular dystrophy (DMD). Also called: MUSCULAR DYSTROPHY, PSEUDOHYPERTROPHIC PROGRESSIVE, DUCHENNE TYPE; Duchenne Muscular Dystrophy (DMD). Identifiers: Orphanet 98896, MedGen C0013264, MONDO:0010679, OMIM 310200.

Allele frequency attached by ClinVar (database versions not stated): gnomAD exomes below 0.00001; gnomAD 0.00001.
gnomAD v4.1: 3 of 1,207,149 alleles (0.00025%); highest among the groups gnomAD compares: Admixed American, 0.0022%; no homozygotes.

Submissions (2):

Revvity Omics, Revvity
Classification: Uncertain significance. Last evaluated: 2022-05-24. Review status: criteria provided, single submitter. Criteria: ACMG Guidelines, 2015. Collection method: clinical testing. Allele origin: germline.

Labcorp Genetics (formerly Invitae), Labcorp
Classification: Uncertain significance for Duchenne muscular dystrophy. Last evaluated: 2022-05-11. Review status: criteria provided, single submitter. Criteria: Invitae Variant Classification Sherloc (09022015). Collection method: clinical testing. Allele origin: germline.
Comment: This sequence change replaces valine, which is neutral and non-polar, with methionine, which is neutral and non-polar, at codon 2500 of the DMD protein (p.Val2500Met). This variant is not present in population databases (gnomAD no frequency). This variant has not been reported in the literature in individuals affected with DMD-related conditions. Algorithms developed to predict the effect of missense changes on protein structure and function are either unavailable or do not agree on the potential impact of this missense change (SIFT: "Deleterious"; PolyPhen-2: "Possibly Damaging"; Align-GVGD: "Class C15"). In summary, the available evidence is currently insufficient to determine the role of this variant in disease. Therefore, it has been classified as a Variant of Uncertain Significance.

NM_004006.3(DMD):c.7498G>A (p.Val2500Met)

Gene: DMD (dystrophin; minus strand). Cytogenetic location: Xp21.1.
Variant type: single nucleotide variant.
Coding change: c.7498G>A on transcript NM_004006.3 (MANE Select); coding-DNA position 7498, G replaced by A.
Protein change: p.Val2500Met; replaces valine 2500 with methionine.
Molecular consequence: missense variant.
Genome position (GRCh38, 1-based): chrX:31,774,004, C>T on the plus strand (G>A on the coding strand, the complement: DMD is on the minus strand). VCF-style: chrX-31774004-C-T. GRCh37 (hg19) VCF-style: chrX-31792121-C-T.
Other names: c.7474G>A, p.Val2492Met (NM_000109.4); c.7486G>A, p.Val2496Met (NM_004009.3); c.7129G>A, p.Val2377Met (NM_004010.3); c.3475G>A, p.Val1159Met (NM_004011.4); c.3466G>A, p.Val1156Met (NM_004012.4); c.118G>A, p.Val40Met (NM_004013.3, NM_004020.4, NM_004021.3 and 2 more transcripts); short protein forms V2500M, V1159M, V2377M, V1156M, V2492M, V2496M, V40M.
Identifiers: ClinVar variation 2201968 (VCV002201968.4), dbSNP rs2090506459, ClinGen allele CA412658777.